The following is an entry in ClinVar:

NM_005732.4(RAD50):c.61G>A (p.Asp21Asn)

Gene: RAD50 (RAD50 double strand break repair protein; plus strand). Cytogenetic location: 5q31.1.
Variant type: single nucleotide variant.
Coding change: c.61G>A on transcript NM_005732.4 (MANE Select); coding-DNA position 61, G replaced by A.
Protein change: p.Asp21Asn; replaces aspartic acid 21 with asparagine.
Molecular consequence: missense variant.
Genome position (GRCh38, 1-based): chr5:132,557,385, G>A. VCF-style: chr5-132557385-G-A. GRCh37 (hg19) VCF-style: chr5-131893077-G-A.
Other names: c.61G>A (NM_005732.3); short protein forms D21N.
Identifiers: ClinVar variation 1044712 (VCV001044712.10), dbSNP rs1750021195, ClinGen allele CA360951218.

ClinVar aggregate classification (germline): Uncertain significance. Review status: criteria provided, multiple submitters, no conflicts (2 of 4 stars). 2 submissions from 2 submitters: Uncertain significance (2). Last evaluated 2023-05-14.

Conditions:
Hereditary cancer-predisposing syndrome. Also called: Hereditary Cancer Syndrome; Tumor predisposition; Hereditary neoplastic syndrome; Neoplastic Syndromes, Hereditary. Identifiers: Orphanet 140162, MedGen C0027672, MeSH D009386, MONDO:0015356.

Submissions (2):

Ambry Genetics
Classification: Uncertain significance for Hereditary cancer-predisposing syndrome. Last evaluated: 2023-05-14. Review status: criteria provided, single submitter. Criteria: Ambry Variant Classification Scheme 2023. Collection method: clinical testing. Allele origin: germline.
Comment: The p.D21N variant (also known as c.61G>A), located in coding exon 1 of the RAD50 gene, results from a G to A substitution at nucleotide position 61. The aspartic acid at codon 21 is replaced by asparagine, an amino acid with highly similar properties. This amino acid position is conserved. In addition, this alteration is predicted to be tolerated by in silico analysis. Since supporting evidence is limited at this time, the clinical significance of this alteration remains unclear.

Labcorp Genetics (formerly Invitae), Labcorp
Classification: Uncertain significance for Hereditary cancer-predisposing syndrome. Last evaluated: 2022-01-11. Review status: criteria provided, single submitter. Criteria: Invitae Variant Classification Sherloc (09022015). Collection method: clinical testing. Allele origin: germline.
Comment: This sequence change replaces aspartic acid, which is acidic and polar, with asparagine, which is neutral and polar, at codon 21 of the RAD50 protein (p.Asp21Asn). In summary, the available evidence is currently insufficient to determine the role of this variant in disease. Therefore, it has been classified as a Variant of Uncertain Significance. Algorithms developed to predict the effect of missense changes on protein structure and function are either unavailable or do not agree on the potential impact of this missense change (SIFT: "Tolerated"; PolyPhen-2: "Possibly Damaging"; Align-GVGD: "Class C0"). ClinVar contains an entry for this variant (Variation ID: 1044712). This variant has not been reported in the literature in individuals affected with RAD50-related conditions. This variant is not present in population databases (gnomAD no frequency).